The following is an entry in ClinVar:

ClinVar aggregate classification (germline): Uncertain significance (1 of 4 stars; one submission).

Conditions:
Neuropathy, hereditary motor and sensory, type 6B (HMSN6B). Also called: HMSN VIB; CHARCOT-MARIE-TOOTH DISEASE, TYPE 6B; Neuropathy, hereditary motor and sensory, type VIB; NEUROPATHY, HEREDITARY MOTOR AND SENSORY, TYPE VIB, WITH OPTIC ATROPHY. Identifiers: MedGen C4225302, MONDO:0014671, OMIM 616505.

Submission:

Labcorp Genetics (formerly Invitae), Labcorp
Classification: Uncertain significance for Neuropathy, hereditary motor and sensory, type 6B. Last evaluated: 2020-05-06. Review status: criteria provided, single submitter. Criteria: Invitae Variant Classification Sherloc (09022015). Collection method: clinical testing. Allele origin: germline.
Comment: Algorithms developed to predict the effect of missense changes on protein structure and function (SIFT, PolyPhen-2, Align-GVGD) all suggest that this variant is likely to be tolerated, but these predictions have not been confirmed by published functional studies and their clinical significance is uncertain. In summary, the available evidence is currently insufficient to determine the role of this variant in disease. Therefore, it has been classified as a Variant of Uncertain Significance. This variant has not been reported in the literature in individuals with SLC25A46-related conditions. This sequence change replaces asparagine with lysine at codon 320 of the SLC25A46 protein (p.Asn320Lys). The asparagine residue is weakly conserved and there is a moderate physicochemical difference between asparagine and lysine. This variant is not present in population databases (ExAC no frequency).

NM_138773.4(SLC25A46):c.960C>A (p.Asn320Lys)

Gene: SLC25A46 (solute carrier family 25 member 46; plus strand). Cytogenetic location: 5q22.1.
Variant type: single nucleotide variant.
Coding change: c.960C>A on transcript NM_138773.4 (MANE Select); coding-DNA position 960, C replaced by A.
Protein change: p.Asn320Lys; replaces asparagine 320 with lysine.
Molecular consequence: missense variant. On other transcripts: non-coding transcript variant (1).
Genome position (GRCh38, 1-based): chr5:110,761,485, C>A. VCF-style: chr5-110761485-C-A. GRCh37 (hg19) VCF-style: chr5-110097185-C-A.
Other names: c.717C>A, p.Asn239Lys (NM_001303249.3); c.687C>A, p.Asn229Lys (NM_001303250.3); short protein forms N229K, N239K, N320K.
Identifiers: ClinVar variation 1019172 (VCV001019172.9), dbSNP rs1800249439, ClinGen allele CA360696566.